The following is an entry in ClinVar:

ClinVar aggregate classification (germline): Uncertain significance. Review status: criteria provided, multiple submitters, no conflicts (2 of 4 stars). 4 submissions from 4 submitters: Uncertain significance (3). 1 of the submissions does not count toward it. Last evaluated 2026-09-01.

Conditions:
ELP1-related disorder. Also called: ELP1-related condition.
Medulloblastoma (MDB). Also called: Medulloblastoma, somatic; MEDULLOBLASTOMA PREDISPOSITION SYNDROME. Identifiers: Orphanet 616, MedGen C0025149, MeSH D008527, MONDO:0007959, OMIM 155255, HP:0002885.
Familial dysautonomia. Also called: FD; HSAN III. Identifiers: Orphanet 1764, MedGen C0013364, MONDO:0009131, OMIM 223900. Disease mechanism: loss of function.

Allele frequency attached by ClinVar (database versions not stated): gnomAD exomes below 0.00001; TOPMed 0.00002; gnomAD 0.00003 and 0.00004.
gnomAD v4.1: 9 of 1,614,090 alleles (0.00056%); highest among the groups gnomAD compares: African/African-American, 0.011%; no homozygotes.

Submissions (4):

PreventionGenetics, part of Exact Sciences
Classification: Uncertain significance for ELP1-related condition. Last evaluated: 2026-09-01. Review status: criteria provided, single submitter. Criteria: ACMG Guidelines, 2015. Collection method: clinical testing. Allele origin: germline.
Comment: The ELP1 c.3137T>C variant is predicted to result in the amino acid substitution p.Val1046Ala. To our knowledge, this variant has not been reported in the literature. This variant is reported in 0.023% of alleles in individuals of African descent in gnomAD. At this time, the clinical significance of this variant is uncertain due to the absence of conclusive functional and genetic evidence.

St. Jude Molecular Pathology, St. Jude Children's Research Hospital
Classification: Uncertain significance for Medulloblastoma. Last evaluated: 2023-08-18. Review status: criteria provided, single submitter. Criteria: St. Jude Assertion Criteria 2020. Collection method: clinical testing. Allele origin: germline.
Comment: The ELP1 c.3137T>C (p.Val1046Ala) missense change has a maximum subpopulation frequency of 0.023% in gnomAD v2.1.1. The in silico tool REVEL predicts a benign effect on protein function, but to our knowledge this prediction has not been confirmed by functional studies. To our knowledge, this variant has not been reported in individuals with ELP1-associated disorders. In summary, the evidence currently available is insufficient to determine the clinical significance of this variant. It has therefore been classified as of uncertain significance.

Fulgent Genetics
Classification: Uncertain significance for Medulloblastoma; Familial dysautonomia. Last evaluated: 2021-12-24. Review status: criteria provided, single submitter. Criteria: ACMG Guidelines, 2015. Collection method: clinical testing. Allele origin: unknown.

Natera, Inc.
Classification: Uncertain significance for Familial dysautonomia. Last evaluated: 2020-05-25. Review status: no assertion criteria provided. Collection method: clinical testing. Allele origin: germline. Not counted in ClinVar's aggregate classification.

NM_003640.5(ELP1):c.3137T>C (p.Val1046Ala)

Gene: ELP1 (elongator acetyltransferase complex subunit 1; minus strand). Cytogenetic location: 9q31.3.
Variant type: single nucleotide variant.
Coding change: c.3137T>C on transcript NM_003640.5 (MANE Select); coding-DNA position 3137, T replaced by C.
Protein change: p.Val1046Ala; replaces valine 1046 with alanine.
Molecular consequence: missense variant.
Genome position (GRCh38, 1-based): chr9:108,891,226, A>G on the plus strand (T>C on the coding strand, the complement: ELP1 is on the minus strand). VCF-style: chr9-108891226-A-G. GRCh37 (hg19) VCF-style: chr9-111653506-A-G.
Other names: c.2795T>C, p.Val932Ala (NM_001318360.2); c.2090T>C, p.Val697Ala (NM_001330749.2); c.3137T>C (NM_003640.4); short protein forms V1046A, V697A, V932A.
Identifiers: ClinVar variation 989522 (VCV000989522.4), dbSNP rs1286140759, ClinGen allele CA374416173.